The following is an entry in ClinVar:

NM_000718.4(CACNA1B):c.2487C>T (p.Pro829=)

Gene: CACNA1B (calcium voltage-gated channel subunit alpha1 B; plus strand). Cytogenetic location: 9q34.3.
Variant type: single nucleotide variant.
Coding change: c.2487C>T on transcript NM_000718.4 (MANE Select); coding-DNA position 2487, C replaced by T.
Protein change: p.Pro829=; no amino-acid change (proline 829 retained).
Molecular consequence: synonymous variant.
Genome position (GRCh38, 1-based): chr9:138,023,230, C>T. VCF-style: chr9-138023230-C-T. GRCh37 (hg19) VCF-style: chr9-140917682-C-T.
Other names: c.2487C>T, p.Pro829= (NM_001243812.2).
Identifiers: ClinVar variation 3778259 (VCV003778259.7).

ClinVar aggregate classification (germline): Likely benign (1 of 4 stars; one submission).

gnomAD v4.1: 2 of 1,511,476 alleles (0.00013%); highest among the groups gnomAD compares: Non-Finnish European, 0.00018%; no homozygotes.

Submission:

CeGaT Center for Human Genetics Tuebingen
Classification: Likely benign. Last evaluated: 2025-03-01. Review status: criteria provided, single submitter. Criteria: CeGaT Center For Human Genetics Tuebingen Variant Classification Criteria Version 2. Collection method: clinical testing. Allele origin: germline. Affected: yes. Observed: 1 variant allele.
Comment: CACNA1B: BP4, BP7